The following is an entry in ClinVar:

NM_000531.6(OTC):c.403del (p.Ala135fs)

Gene: OTC (ornithine transcarbamylase; plus strand). Cytogenetic location: Xp11.4.
Variant type: Deletion.
Coding change: c.403del on transcript NM_000531.6 (MANE Select); coding-DNA position 403, one base deleted (G; older notation c.403delG).
Protein change: p.Ala135fs; shifts the reading frame from alanine 135.
Molecular consequence: frameshift variant.
Genome position (GRCh38, 1-based): chrX:38,401,291, G deleted; the last of 2 consecutive G bases (chrX:38,401,290-38,401,291); deleting either gives the same sequence. VCF-style (leftmost placement, unchanged base first): chrX-38401289-TG-T. GRCh37 (hg19) VCF-style: chrX-38260542-TG-T.
Other names: short protein forms A135fs.
Identifiers: ClinVar variation 97190 (VCV000097190.2), dbSNP rs72556255, ClinGen allele CA224586.
Genomic context (GRCh38, chrX:38,401,289, plus strand): 5'-ATTAAGCATAATTATCTTAGATTATCTTTTTCTTGGTTTGCCACAGTGTATTGTCTAGCA[TG>T]GCAGATGCAGTATTGGCTCGAGTGTATAAACAATCAGATTTGGACACCCTGGCTAAAGAA-3'

ClinVar aggregate classification (germline): Pathogenic. Review status: no assertion criteria provided (0 of 4 stars). 2 submissions from 2 submitters: Pathogenic (2). Last evaluated 2002-02-01.

Conditions:
Ornithine carbamoyltransferase deficiency (OTCD). Also called: ORNITHINE TRANSCARBAMYLASE DEFICIENCY, HYPERAMMONEMIA DUE TO; ORNITHINE TRANSCARBAMYLASE DEFICIENCY; OTC DEFICIENCY; Ornithine Carbamoyltransferase Deficiency Disease. Identifiers: Orphanet 664, MedGen C0268542, MONDO:0010703, OMIM 311250.

Submissions (2):

OMIM
Classification: Pathogenic for ORNITHINE TRANSCARBAMYLASE DEFICIENCY. Last evaluated: 2002-02-01. Review status: no assertion criteria provided. Collection method: literature only. Allele origin: germline.

GenMed Metabolism Lab
Classification: Pathogenic. Review status: no assertion criteria provided. Collection method: not provided. Allele origin: unknown.
Comment: Frameshift, Neonatal
ClinVar note: Converted during submission from pathogenic to Pathogenic.

Literature cited by the submitters: PubMed 11793468 (cited by OMIM).